The following is an entry in ClinVar:

NM_001943.5(DSG2):c.3165dup (p.Thr1056fs)

Genes: DSG2 (desmoglein 2; plus strand), DSG2-AS1 (DSG2 antisense RNA 1; minus strand). Cytogenetic location: 18q12.1.
Variant type: Duplication.
Coding change: c.3165dup on transcript NM_001943.5 (MANE Select); coding-DNA position 3165, one base duplicated (C; older notation c.3165dupC).
Protein change: p.Thr1056fs; shifts the reading frame from threonine 1056.
Molecular consequence: frameshift variant.
Genome position (GRCh38, 1-based): chr18:31,546,551, C duplicated; the last of 2 consecutive C bases (chr18:31,546,550-31,546,551); duplicating either gives the same sequence. VCF-style (leftmost placement, unchanged base first): chr18-31546549-T-TC. GRCh37 (hg19) VCF-style: chr18-29126512-T-TC.
Other names: short protein forms T1056fs.
Identifiers: ClinVar variation 919496 (VCV000919496.6), dbSNP rs2073312554, ClinGen allele CA913188922.

ClinVar aggregate classification (germline): Uncertain significance. Review status: criteria provided, multiple submitters, no conflicts (2 of 4 stars). 2 submissions from 2 submitters: Uncertain significance (2). Last evaluated 2023-11-27.

Conditions:
Cardiomyopathy (CMYO). Also called: Cardiomyopathies. Identifiers: Orphanet 167848, MedGen C0878544, MONDO:0004994, HP:0001638. Inheritance: Various modes of inheritance.
Arrhythmogenic right ventricular dysplasia 10. Also called: Arrhythmogenic Right Ventricular Dysplasia/Cardiomyopathy10; ARRHYTHMOGENIC RIGHT VENTRICULAR DYSPLASIA, FAMILIAL, 10; Arrhythmogenic right ventricular dysplasia/cardiomyopathy, type 10. Identifiers: MedGen C1857777, MONDO:0012434, OMIM 610193.

Submissions (2):

Labcorp Genetics (formerly Invitae), Labcorp
Classification: Uncertain significance for Arrhythmogenic right ventricular dysplasia 10. Last evaluated: 2023-11-27. Review status: criteria provided, single submitter. Criteria: Invitae Variant Classification Sherloc (09022015). Collection method: clinical testing. Allele origin: germline.
Comment: This sequence change creates a premature translational stop signal (p.Thr1056Hisfs*11) in the DSG2 gene. While this is not anticipated to result in nonsense mediated decay, it is expected to disrupt the last 63 amino acid(s) of the DSG2 protein. This variant is not present in population databases (gnomAD no frequency). This variant has not been reported in the literature in individuals affected with DSG2-related conditions. ClinVar contains an entry for this variant (Variation ID: 919496). Experimental studies and prediction algorithms are not available or were not evaluated, and the functional significance of this variant is currently unknown. This variant disrupts a region of the DSG2 protein in which other variant(s) (p.Gly1083Ser) have been observed in individuals with DSG2-related conditions (PMID: 21636032). This suggests that this is a clinically significant region of the protein, and that variants that disrupt it are likely to be disease-causing. In summary, the available evidence is currently insufficient to determine the role of this variant in disease. Therefore, it has been classified as a Variant of Uncertain Significance.

Color Diagnostics, LLC DBA Color Health
Classification: Uncertain significance for Cardiomyopathy. Last evaluated: 2019-01-31. Review status: criteria provided, single submitter. Criteria: ACMG Guidelines, 2015. Collection method: clinical testing. Allele origin: germline.
Comment: Variant of Uncertain Significance due to insufficient evidence: This variant inserts 1 nucleotide in the last exon 15 of the DSG2 gene, creating a frameshift and premature translation stop signal. This variant is expected to result in an absent or non-functional protein product. To our knowledge, functional assays have not been performed for this variant nor has this variant been reported in individuals affected with cardiovascular disorders in the literature. This variant is rare in the general population and has been identified in 0/277264 chromosomes by the Genome Aggregation Database (gnomAD). Available evidence is insufficient to determine the role of this variant in disease conclusively.

Literature cited by the submitters: PubMed 21636032 (cited by Labcorp Genetics (formerly Invitae), Labcorp).